The following is an entry in ClinVar:

NM_000152.5(GAA):c.11G>A (p.Arg4Lys)

Gene: GAA (alpha glucosidase; plus strand). Cytogenetic location: 17q25.3.
Variant type: single nucleotide variant.
Coding change: c.11G>A on transcript NM_000152.5 (MANE Select); coding-DNA position 11, G replaced by A.
Protein change: p.Arg4Lys; replaces arginine 4 with lysine.
Molecular consequence: missense variant.
Genome position (GRCh38, 1-based): chr17:80,104,597, G>A. VCF-style: chr17-80104597-G-A. GRCh37 (hg19) VCF-style: chr17-78078396-G-A.
Other names: c.11G>A, p.Arg4Lys (NM_001079803.3, NM_001079804.3); short protein forms R4K.
Identifiers: ClinVar variation 188475 (VCV000188475.16), dbSNP rs372147077, ClinGen allele CA198768.
Genomic context (GRCh38, chr17:80,104,597, plus strand): 5'-CGCTTTCTTCTCCCGCAGGCCTGTAGGAGCTGTCCAGGCCATCTCCAACCATGGGAGTGA[G>A]GCACCCGCCCTGCTCCCACCGGCTCCTGGCCGTCTGCGCCCTCGTGTCCTTGGCAACCGC-3'
Protein context (NP_000143.2, residues 1-14): MGV[Arg4Lys]HPPCSHRLLA

ClinVar aggregate classification (germline): Uncertain significance. Review status: criteria provided, multiple submitters, no conflicts (2 of 4 stars). 5 submissions from 5 submitters: Uncertain significance (4). 1 of the submissions does not count toward it. Last evaluated 2022-10-13.

Conditions:
Glycogen storage disease, type II (IOPD). Also called: Glucosidase acid-1,4-alpha deficiency; CARDIOMEGALIA GLYCOGENICA DIFFUSA; GLYCOGENOSIS, GENERALIZED, CARDIAC FORM; GSD II; POMPE DISEASE, INFANTILE-ONSET; GLYCOGEN STORAGE DISEASE II, INFANTILE-ONSET. Identifiers: Orphanet 365, MedGen C0017921, MONDO:0009290, OMIM 232300.

Allele frequency attached by ClinVar (database versions not stated): ExAC 0.00002; gnomAD exomes 0.00002 and 0.00003; gnomAD 0.00003 and 0.00004; TOPMed 0.00006; ESP Exome Variant Server 0.00015.
gnomAD v4.1: 48 of 1,610,564 alleles (0.003%); highest among the groups gnomAD compares: Non-Finnish European, 0.0037%; no homozygotes.

Submissions (5):

Labcorp Genetics (formerly Invitae), Labcorp
Classification: Uncertain significance for Glycogen storage disease, type II. Last evaluated: 2022-10-13. Review status: criteria provided, single submitter. Criteria: Invitae Variant Classification Sherloc (09022015). Collection method: clinical testing. Allele origin: germline.
Comment: This sequence change replaces arginine, which is basic and polar, with lysine, which is basic and polar, at codon 4 of the GAA protein (p.Arg4Lys). This variant is present in population databases (rs372147077, gnomAD 0.005%). This variant has not been reported in the literature in individuals affected with GAA-related conditions. ClinVar contains an entry for this variant (Variation ID: 188475). Advanced modeling of protein sequence and biophysical properties (such as structural, functional, and spatial information, amino acid conservation, physicochemical variation, residue mobility, and thermodynamic stability) performed at Invitae indicates that this missense variant is not expected to disrupt GAA protein function. In summary, the available evidence is currently insufficient to determine the role of this variant in disease. Therefore, it has been classified as a Variant of Uncertain Significance.

Illumina Laboratory Services, Illumina
Classification: Uncertain significance for Glycogen storage disease, type II. Last evaluated: 2018-01-13. Review status: criteria provided, single submitter. Criteria: ICSL Variant Classification Criteria 13 December 2019. Collection method: clinical testing. Allele origin: germline.

Eurofins Ntd Llc (ga)
Classification: Uncertain significance. Last evaluated: 2016-11-21. Review status: criteria provided, single submitter. Criteria: EGL Classification Definitions 2015. Collection method: clinical testing. Allele origin: germline. Observed: 2 variant alleles, 2 heterozygotes.

Breakthrough Genomics
Classification: Uncertain significance. Review status: criteria provided, single submitter. Criteria: ACMG Guidelines, 2015. Collection method: not provided. Allele origin: germline. Inheritance: Autosomal recessive inheritance. Affected: yes.

Natera, Inc.
Classification: Uncertain significance for Glycogen storage disease type II. Last evaluated: 2020-03-04. Review status: no assertion criteria provided. Collection method: clinical testing. Allele origin: germline. Not counted in ClinVar's aggregate classification.